The following is an entry in ClinVar:

NM_000321.3(RB1):c.2083A>T (p.Met695Leu)

Gene: RB1 (RB transcriptional corepressor 1; plus strand). Cytogenetic location: 13q14.2.
Variant type: single nucleotide variant.
Coding change: c.2083A>T on transcript NM_000321.3 (MANE Select); coding-DNA position 2083, A replaced by T.
Protein change: p.Met695Leu; replaces methionine 695 with leucine.
Molecular consequence: missense variant.
Genome position (GRCh38, 1-based): chr13:48,459,810, A>T. VCF-style: chr13-48459810-A-T. GRCh37 (hg19) VCF-style: chr13-49033946-A-T.
Other names: c.2083A>T, p.Met695Leu (NM_001407165.1); short protein forms M695L.
Identifiers: ClinVar variation 1785594 (VCV001785594.4), dbSNP rs1949384922, ClinGen allele CA388166926.

ClinVar aggregate classification (germline): Uncertain significance. Review status: criteria provided, multiple submitters, no conflicts (2 of 4 stars). 2 submissions from 2 submitters: Uncertain significance (2). Last evaluated 2024-05-21.

Conditions:
Hereditary cancer-predisposing syndrome. Also called: Neoplastic Syndromes, Hereditary; Tumor predisposition; Hereditary Cancer Syndrome; Hereditary neoplastic syndrome. Identifiers: Orphanet 140162, MedGen C0027672, MeSH D009386, MONDO:0015356.
Retinoblastoma (RB1). Also called: RETINOBLASTOMA, SOMATIC. Identifiers: Orphanet 790, MedGen C0035335, MeSH D012175, MONDO:0008380, OMIM 180200, HP:0009919. Disease mechanism: loss of function. Inheritance: Both sporadic and heritable forms are tested..

Submissions (2):

Labcorp Genetics (formerly Invitae), Labcorp
Classification: Uncertain significance for Retinoblastoma. Last evaluated: 2024-05-21. Review status: criteria provided, single submitter. Criteria: Invitae Variant Classification Sherloc (09022015). Collection method: clinical testing. Allele origin: germline.
Comment: This sequence change replaces methionine, which is neutral and non-polar, with leucine, which is neutral and non-polar, at codon 695 of the RB1 protein (p.Met695Leu). This variant is not present in population databases (gnomAD no frequency). This variant has not been reported in the literature in individuals affected with RB1-related conditions. ClinVar contains an entry for this variant (Variation ID: 1785594). Advanced modeling of protein sequence and biophysical properties (such as structural, functional, and spatial information, amino acid conservation, physicochemical variation, residue mobility, and thermodynamic stability) performed at Invitae indicates that this missense variant is not expected to disrupt RB1 protein function with a negative predictive value of 80%. This variant disrupts the p.Met695 amino acid residue in RB1. Other variant(s) that disrupt this residue have been determined to be pathogenic (Invitae). This suggests that this residue is clinically significant, and that variants that disrupt this residue are likely to be disease-causing. In summary, the available evidence is currently insufficient to determine the role of this variant in disease. Therefore, it has been classified as a Variant of Uncertain Significance.

Ambry Genetics
Classification: Uncertain significance for Hereditary cancer-predisposing syndrome. Last evaluated: 2019-09-04. Review status: criteria provided, single submitter. Criteria: Ambry Variant Classification Scheme 2023. Collection method: clinical testing. Allele origin: germline.
Comment: The p.M695L variant (also known as c.2083A>T), located in coding exon 20 of the RB1 gene, results from an A to T substitution at nucleotide position 2083. The methionine at codon 695 is replaced by leucine, an amino acid with highly similar properties. This amino acid position is highly conserved in available vertebrate species. In addition, the in silico prediction for this alteration is inconclusive. Since supporting evidence is limited at this time, the clinical significance of this alteration remains unclear.